The following is an entry in ClinVar:

NM_001291303.3(FAT4):c.8846A>G (p.Asn2949Ser)

Gene: FAT4 (FAT atypical cadherin 4; plus strand). Cytogenetic location: 4q28.1.
Variant type: single nucleotide variant.
Coding change: c.8846A>G on transcript NM_001291303.3 (MANE Select); coding-DNA position 8846, A replaced by G.
Protein change: p.Asn2949Ser; replaces asparagine 2949 with serine.
Molecular consequence: missense variant.
Genome position (GRCh38, 1-based): chr4:125,449,856, A>G. VCF-style: chr4-125449856-A-G. GRCh37 (hg19) VCF-style: chr4-126371011-A-G.
Other names: c.8846A>G, p.Asn2949Ser (NM_001291285.3); c.8840A>G, p.Asn2947Ser (NM_024582.6); short protein forms N2947S, N2949S.
Identifiers: ClinVar variation 3360231 (VCV003360231.2).
Genomic context (GRCh38, chr4:125,449,856, plus strand): 5'-TTTTCAATAAACAGATCTTAAAATACCAAAATGTCACTGGCTTCAGTAATGTGAATATCA[A>G]CAGGCATAGTTTTATAGTGACATCTTCAGATCGAGGTAAACCTTCCTTAATTAGTGAGAC-3'
Protein context (NP_001278232.1, residues 2939-2959): NVTGFSNVNI[Asn2949Ser]RHSFIVTSSD

ClinVar aggregate classification (germline): Uncertain significance (1 of 4 stars; one submission).

gnomAD v4.1: 4 of 1,613,876 alleles (0.00025%); highest among the groups gnomAD compares: Non-Finnish European, 0.00034%; no homozygotes.

Submission:

GeneDx
Classification: Uncertain significance. Last evaluated: 2025-10-27. Review status: criteria provided, single submitter. Criteria: GeneDx Variant Classification Process June 2021. Collection method: clinical testing. Allele origin: germline.
Comment: Not observed at significant frequency in large population cohorts (gnomAD); In silico analysis supports that this missense variant has a deleterious effect on protein structure/function; Has not been previously published as pathogenic or benign to our knowledge